The following is an entry in ClinVar:

NM_001385.3(DPYS):c.352C>T (p.Arg118Ter)

Gene: DPYS (dihydropyrimidinase; minus strand). Cytogenetic location: 8q22.3.
Variant type: single nucleotide variant.
Coding change: c.352C>T on transcript NM_001385.3 (MANE Select); coding-DNA position 352, C replaced by T.
Protein change: p.Arg118Ter; replaces arginine 118 with a stop codon.
Molecular consequence: nonsense.
Genome position (GRCh38, 1-based): chr8:104,451,317, G>A on the plus strand (C>T on the coding strand, the complement: DPYS is on the minus strand). VCF-style: chr8-104451317-G-A. GRCh37 (hg19) VCF-style: chr8-105463545-G-A.
Other names: short protein forms R118*.
Identifiers: ClinVar variation 377800 (VCV000377800.12), dbSNP rs546700169, ClinGen allele CA4838593.

ClinVar aggregate classification (germline): Conflicting classifications of pathogenicity. Review status: criteria provided, conflicting classifications (1 of 4 stars). 4 submissions from 4 submitters: Pathogenic (2); Likely pathogenic (1); Uncertain significance (1). Last evaluated 2025-11-04.

Conditions:
Dihydropyrimidinase deficiency (DPYSD). Also called: dihydropyrimidinuria; DPH DEFICIENCY; DPYS DEFICIENCY. Identifiers: Orphanet 38874, MedGen C0342803, MONDO:0009111, OMIM 222748.

Allele frequency attached by ClinVar (database versions not stated): TOPMed 0.00006; gnomAD exomes 0.00008 and 0.00005; gnomAD 0.00009 and 0.00008; ExAC 0.00006; 1000 Genomes Project 30x 0.00016; 1000 Genomes Project 0.00020.
gnomAD v4.1: 128 of 1,614,142 alleles (0.0079%); highest among the groups gnomAD compares: Non-Finnish European, 0.01%; no homozygotes.

Submissions (4):

Dasa
Classification: Likely pathogenic. Last evaluated: 2025-11-04. Review status: criteria provided, single submitter. Criteria: DASA Assertion Criteria. Collection method: clinical testing. Allele origin: germline.
Comment: NM_001385.3(DPYS):c.352C>T (p.Arg118*) is a nonsense variant in DPYS predicted to introduce a premature termination codon and is predicted to result in an absent or altered protein product. Loss of function is an established disease mechanism for DPYS-associated disorders. Also, this variant is rare in population databases. Based on the currently available evidence, this variant is classified as likely pathogenic.

Women's Health and Genetics/Laboratory Corporation of America, LabCorp
Classification: Pathogenic for Dihydropyrimidinase deficiency. Last evaluated: 2025-10-28. Review status: criteria provided, single submitter. Criteria: LabCorp Variant Classification Summary - May 2015. Collection method: clinical testing. Allele origin: germline.
Comment: Variant summary: DPYS c.352C>T (p.Arg118X) results in a premature termination codon, predicted to cause a truncation of the encoded protein or absence of the protein due to nonsense mediated decay, which are commonly known mechanisms for disease. The variant allele was found at a frequency of 5.2e-05 in 251366 control chromosomes. This frequency is not significantly higher than estimated for disease-causing variants in DPYS, allowing no conclusion about variant significance. To our knowledge, no occurrence of c.352C>T in individuals affected with DPYS-related conditions and no experimental evidence demonstrating its impact on protein function have been reported. ClinVar contains an entry for this variant (Variation ID: 377800). Based on the evidence outlined above, the variant was classified as pathogenic.

Labcorp Genetics (formerly Invitae), Labcorp
Classification: Pathogenic. Last evaluated: 2025-09-03. Review status: criteria provided, single submitter. Criteria: Invitae Variant Classification Sherloc (09022015). Collection method: clinical testing. Allele origin: germline.
Comment: This sequence change creates a premature translational stop signal (p.Arg118*) in the DPYS gene. It is expected to result in an absent or disrupted protein product. Loss-of-function variants in DPYS are known to be pathogenic (PMID: 20362666). This variant is present in population databases (rs546700169, gnomAD 0.01%). This variant has not been reported in the literature in individuals affected with DPYS-related conditions. ClinVar contains an entry for this variant (Variation ID: 377800). For these reasons, this variant has been classified as Pathogenic.

GeneDx
Classification: Uncertain significance. Last evaluated: 2024-02-21. Review status: criteria provided, single submitter. Criteria: GeneDx Variant Classification Process June 2021. Collection method: clinical testing. Allele origin: germline. Affected: yes.
Comment: Nonsense variant predicted to result in protein truncation or nonsense mediated decay in a gene for which loss of function is a known mechanism of disease; Has not been previously published as pathogenic or benign to our knowledge; This variant is associated with the following publications: (PMID: 31589614)

Literature cited by the submitters: PubMed 20362666 (cited by Labcorp Genetics (formerly Invitae), Labcorp).